The following is an entry in ClinVar:

NM_153700.2(STRC):c.4765G>A (p.Val1589Ile)

Gene: STRC (stereocilin; minus strand). Cytogenetic location: 15q15.3.
Variant type: single nucleotide variant.
Coding change: c.4765G>A on transcript NM_153700.2 (MANE Select); coding-DNA position 4765, G replaced by A.
Protein change: p.Val1589Ile; replaces valine 1589 with isoleucine.
Molecular consequence: missense variant.
Genome position (GRCh38, 1-based): chr15:43,600,951, C>T on the plus strand (G>A on the coding strand, the complement: STRC is on the minus strand). VCF-style: chr15-43600951-C-T. GRCh37 (hg19) VCF-style: chr15-43893149-C-T.
Other names: short protein forms V1589I.
Identifiers: ClinVar variation 3075838 (VCV003075838.23), dbSNP rs147963245, ClinGen allele CA7527902.
Genomic context (GRCh38, chr15:43,600,951, plus strand): 5'-TGTGCTGGAGCTCCTCTGGCCGCAGTCCACAGAGAGTATAACCCAGCGCTGTCAGATGAA[C>T]GAAGTCCAGGTGGCTCACATGCCGACCACTCTGCCGTAGGAAACTGGAGACCACAATGCG-3'
Protein context (NP_714544.1, residues 1579-1599): SGRHVSHLDF[Val1589Ile]HLTALGYTLC

ClinVar aggregate classification (germline): Conflicting classifications of pathogenicity. Review status: criteria provided, conflicting classifications (1 of 4 stars). 5 submissions from 5 submitters: Uncertain significance (2); Likely benign (2). 1 of the submissions does not count toward it. Last evaluated 2024-10-22.

Conditions:
STRC-related disorder. Also called: STRC-related condition.
Spermatogenic failure 7. Also called: MALE INFERTILITY, NONSYNDROMIC, AUTOSOMAL RECESSIVE. Identifiers: Orphanet 276234, MedGen C2751811, MONDO:0013070, OMIM 612997.
Autosomal recessive nonsyndromic hearing loss 16. Also called: DFNB16 Nonsyndromic Hearing Loss and Deafness; DEAFNESS, AUTOSOMAL RECESSIVE 16. Identifiers: Orphanet 90636, MedGen C1863561, MONDO:0011364, OMIM 603720.
Deafness-infertility syndrome. Also called: Deafness and male infertility. Identifiers: Orphanet 94064, MedGen C1970187, MONDO:0012621, OMIM 611102.

Allele frequency attached by ClinVar (database versions not stated): ESP Exome Variant Server 0.00039; TOPMed 0.00039.
gnomAD v4.1: 968 of 1,606,880 alleles (0.06%); highest among the groups gnomAD compares: Non-Finnish European, 0.069%; 15 homozygotes.

Submissions (5):

Blueprint Genetics
Classification: Uncertain significance. Last evaluated: 2024-10-22. Review status: criteria provided, single submitter. Criteria: ACMG Guidelines, 2015. Collection method: clinical testing. Allele origin: germline.

CeGaT Center for Human Genetics Tuebingen
Classification: Likely benign. Last evaluated: 2024-04-01. Review status: criteria provided, single submitter. Criteria: CeGaT Center For Human Genetics Tuebingen Variant Classification Criteria Version 2. Collection method: clinical testing. Allele origin: germline. Affected: yes. Observed: 1 variant allele.
Comment: STRC: BS2

Department of Pathology and Laboratory Medicine, Sinai Health System
Classification: Uncertain significance for Autosomal recessive nonsyndromic hearing loss 16; Deafness-infertility syndrome; Spermatogenic failure 7. Last evaluated: 2023-11-11. Review status: criteria provided, single submitter. Criteria: ACMG Guidelines, 2015. Collection method: research. Allele origin: germline.

Laboratory for Molecular Medicine, Mass General Brigham Personalized Medicine
Classification: Likely benign. Last evaluated: 2021-12-16. Review status: criteria provided, single submitter. Criteria: ACMG Guidelines, 2015. Collection method: clinical testing. Allele origin: germline.
Comment: The p.Val1589Ile variant in STRC is classified as likely benign due to a lack of conservation across species. More than 20 mammals (including gorilla, gibbon, macaque) carry an Isoleucine (Ile) at this position despite high nearby amino acid conservation. In addition, computational prediction tools predict that this variant does not impact the protein. Although the variant has been reported in one individual with hearing loss, who also had a common pathogenic deletion of the other copy of STRC (Markova 2020 PMID: 32705992), it has been identified in 0.08306% (106/127620) of European chromosomes by gnomAD. ACMG/AMP Criteria applied: BP4_Strong, BS1_Supporting, PM3_Supporting.

PreventionGenetics, part of Exact Sciences
Classification: Uncertain significance for STRC-related condition. Last evaluated: 2024-03-13. Review status: no assertion criteria provided. Collection method: clinical testing. Allele origin: germline. Not counted in ClinVar's aggregate classification.
Comment: The STRC c.4765G>A variant is predicted to result in the amino acid substitution p.Val1589Ile. This variant was reported in an individual with non-syndromic hearing loss along with a full gene STRC deletion, although information on exclusion of pseudogene variants by the Sanger assay used to confirm this sequence variant was not provided (Markova et al. 2020. PubMed ID: 32705992). This variant is reported in 0.083% of alleles in individuals of European (Non-Finnish) descent in gnomAD. However, allele frequency data based on short read sequencing data is unreliable at this locus due to sequence paralogy. At this time, the clinical significance of this variant is uncertain due to the absence of conclusive functional and genetic evidence.

Literature cited by the submitters: PubMed 32705992 (cited by Laboratory for Molecular Medicine, Mass General Brigham Personalized Medicine).